The following is an entry in ClinVar:

ClinVar aggregate classification (germline): Benign/Likely benign. Review status: criteria provided, multiple submitters, no conflicts (2 of 4 stars). 3 submissions from 3 submitters: Benign (1); Likely benign (2). Last evaluated 2026-01-11.

Conditions:
Tuberous sclerosis 2 (TSC2). Identifiers: Orphanet 805, MedGen C1860707, MONDO:0013199, OMIM 613254.

Allele frequency attached by ClinVar (database versions not stated): ExAC 0.00001; gnomAD 0.00003; TOPMed 0.00003; ESP Exome Variant Server 0.00015.
gnomAD v4.1: 159 of 1,607,102 alleles (0.0099%); highest among the groups gnomAD compares: Non-Finnish European, 0.013%; no homozygotes.

Submissions (3):

Labcorp Genetics (formerly Invitae), Labcorp
Classification: Benign for Tuberous sclerosis 2. Last evaluated: 2026-01-11. Review status: criteria provided, single submitter. Criteria: Invitae Variant Classification Sherloc (09022015). Collection method: clinical testing. Allele origin: germline.

Myriad Genetics, Inc.
Classification: Likely benign for Tuberous sclerosis 2. Last evaluated: 2025-05-08. Review status: criteria provided, single submitter. Criteria: Myriad Autosomal Dominant, Autosomal Recessive and X-Linked Classification Criteria (2023). Collection method: clinical testing. Allele origin: unknown.
Comment: This variant is considered likely benign. This variant is intronic and is not expected to impact mRNA splicing.

GeneDx
Classification: Likely benign. Last evaluated: 2017-05-19. Review status: criteria provided, single submitter. Criteria: GeneDx Variant Classification (06012015). Collection method: clinical testing. Allele origin: germline. Affected: yes.
Comment: This variant is considered likely benign or benign based on one or more of the following criteria: it is a conservative change, it occurs at a poorly conserved position in the protein, it is predicted to be benign by multiple in silico algorithms, and/or has population frequency not consistent with disease.

NM_000548.5(TSC2):c.649-20G>A

Gene: TSC2 (TSC complex subunit 2; plus strand). Cytogenetic location: 16p13.3.
Variant type: single nucleotide variant.
Coding change: c.649-20G>A on transcript NM_000548.5 (MANE Select); 20 bases into the intron before coding-DNA position 649, G replaced by A.
Molecular consequence: intron variant.
Genome position (GRCh38, 1-based): chr16:2,056,624, G>A. VCF-style: chr16-2056624-G-A. GRCh37 (hg19) VCF-style: chr16-2106625-G-A.
Other names: c.649-20G>A (NM_001114382.3, NM_021055.3, NM_001370405.1 and 3 more transcripts); c.538-20G>A (NM_001318827.2); c.49-20G>A (NM_001318831.2); c.502-20G>A (NM_001318829.2); c.682-20G>A (NM_001318832.2).
Identifiers: ClinVar variation 378771 (VCV000378771.9), dbSNP rs377558380, ClinGen allele CA055938.